The following is an entry in ClinVar:

ClinVar aggregate classification (germline): Conflicting classifications of pathogenicity. Review status: criteria provided, conflicting classifications (1 of 4 stars). 4 submissions from 4 submitters: Likely pathogenic (1); Uncertain significance (3). Last evaluated 2025-04-02.

Conditions:
Neurofibromatosis, type 1 (NF1). Also called: VON RECKLINGHAUSEN DISEASE; NEUROFIBROMATOSIS, TYPE I, SOMATIC; Peripheral type neurofibromatosis; Neurofibromatosis, type I. Identifiers: Orphanet 636, MedGen C0027831, MONDO:0018975, OMIM 162200. Disease mechanism: loss of function.

Submissions (4):

GeneDx
Classification: Uncertain significance. Last evaluated: 2025-04-02. Review status: criteria provided, single submitter. Criteria: GeneDx Variant Classification Process June 2021. Collection method: clinical testing. Allele origin: germline. Affected: yes.
Comment: Not observed at significant frequency in large population cohorts (gnomAD); In silico analysis supports that this missense variant has a deleterious effect on protein structure/function; Has not been previously published as pathogenic or benign to our knowledge

Labcorp Genetics (formerly Invitae), Labcorp
Classification: Likely pathogenic for Neurofibromatosis, type 1. Last evaluated: 2024-10-28. Review status: criteria provided, single submitter. Criteria: Invitae Variant Classification Sherloc (09022015). Collection method: clinical testing. Allele origin: germline.
Comment: This sequence change replaces leucine, which is neutral and non-polar, with arginine, which is basic and polar, at codon 2079 of the NF1 protein (p.Leu2079Arg). This variant is not present in population databases (gnomAD no frequency). This missense change has been observed in individual(s) with neurofibromatosis, type 1 (internal data). ClinVar contains an entry for this variant (Variation ID: 527572). Invitae Evidence Modeling of protein sequence and biophysical properties (such as structural, functional, and spatial information, amino acid conservation, physicochemical variation, residue mobility, and thermodynamic stability) indicates that this missense variant is expected to disrupt NF1 protein function with a positive predictive value of 95%. In summary, the currently available evidence indicates that the variant is pathogenic, but additional data are needed to prove that conclusively. Therefore, this variant has been classified as Likely Pathogenic.

Mayo Clinic Laboratories, Mayo Clinic
Classification: Uncertain significance. Last evaluated: 2023-12-11. Review status: criteria provided, single submitter. Criteria: ACMG Guidelines, 2015. Collection method: clinical testing. Allele origin: germline. Observed: 1 variant allele.
Comment: PP3, PM2_moderate

Revvity Omics, Revvity
Classification: Uncertain significance. Last evaluated: 2021-11-10. Review status: criteria provided, single submitter. Criteria: ACMG Guidelines, 2015. Collection method: clinical testing. Allele origin: germline.

NM_001042492.3(NF1):c.6299T>G (p.Leu2100Arg)

Gene: NF1 (neurofibromin 1; plus strand). Cytogenetic location: 17q11.2.
Variant type: single nucleotide variant.
Coding change: c.6299T>G on transcript NM_001042492.3 (MANE Select); coding-DNA position 6299, T replaced by G.
Protein change: p.Leu2100Arg; replaces leucine 2100 with arginine.
Molecular consequence: missense variant.
Genome position (GRCh38, 1-based): chr17:31,336,786, T>G. VCF-style: chr17-31336786-T-G. GRCh37 (hg19) VCF-style: chr17-29663804-T-G.
Other names: p.Leu2079Arg; c.6236T>G, p.Leu2079Arg (NM_000267.4); short protein forms L2079R, L2100R.
Identifiers: ClinVar variation 527572 (VCV000527572.10), dbSNP rs1555534708, ClinGen allele CA399012239.